The following is an entry in ClinVar:

NM_032638.5(GATA2):c.1096G>A (p.Gly366Arg)

Gene: GATA2 (GATA binding protein 2; minus strand). Cytogenetic location: 3q21.3.
Variant type: single nucleotide variant.
Coding change: c.1096G>A on transcript NM_032638.5 (MANE Select); coding-DNA position 1096, G replaced by A.
Protein change: p.Gly366Arg; replaces glycine 366 with arginine.
Molecular consequence: missense variant.
Genome position (GRCh38, 1-based): chr3:128,481,866, C>T on the plus strand (G>A on the coding strand, the complement: GATA2 is on the minus strand). VCF-style: chr3-128481866-C-T. GRCh37 (hg19) VCF-style: chr3-128200709-C-T.
Other names: c.1096G>A, p.Gly366Arg (NM_001145661.2); c.1054G>A, p.Gly352Arg (NM_001145662.1); c.1096G>A (NM_032638.4); short protein forms G352R, G366R.
Identifiers: ClinVar variation 1511528 (VCV001511528.9), dbSNP rs758912342, ClinGen allele CA83376544.

ClinVar aggregate classification (germline): Uncertain significance. Review status: criteria provided, multiple submitters, no conflicts (2 of 4 stars). 2 submissions from 2 submitters: Uncertain significance (2). Last evaluated 2025-10-16.

Conditions:
Deafness-lymphedema-leukemia syndrome. Also called: Emberger syndrome; Lymphedema, primary, with myelodysplasia. Identifiers: Orphanet 3226, MedGen C3279664, MONDO:0013540, OMIM 614038.
Monocytopenia with susceptibility to infections. Also called: GATA2 DEFICIENCY; IMMUNODEFICIENCY 21; MONOCYTOPENIA AND MYCOBACTERIAL INFECTION SYNDROME; MONOCYTOPENIA WITH SUSCEPTIBILITY TO MYCOBACTERIAL, FUNGAL, AND PAPILLOMAVIRUS INFECTIONS AND MYELODYSPLASIA; COMBINED IMMUNODEFICIENCY WITH SUSCEPTIBILITY TO MYCOBACTERIAL, VIRAL, AND FUNGAL INFECTIONS; Dendritic cell, monocyte, B lymphocyte, and natural killer lymphocyte deficiency. Identifiers: Orphanet 228423, MedGen C3280030, MONDO:0013607, OMIM 614172.

Allele frequency attached by ClinVar (database versions not stated): gnomAD exomes below 0.00001; gnomAD 0.00001; TOPMed below 0.00001.
gnomAD v4.1: 7 of 1,614,028 alleles (0.00043%); highest among the groups gnomAD compares: African/African-American, 0.0013%; no homozygotes.

Submissions (2):

Labcorp Genetics (formerly Invitae), Labcorp
Classification: Uncertain significance for Monocytopenia with susceptibility to infections; Deafness-lymphedema-leukemia syndrome. Last evaluated: 2025-10-16. Review status: criteria provided, single submitter. Criteria: Invitae Variant Classification Sherloc (09022015). Collection method: clinical testing. Allele origin: germline.
Comment: This sequence change replaces glycine, which is neutral and non-polar, with arginine, which is basic and polar, at codon 366 of the GATA2 protein (p.Gly366Arg). This variant is not present in population databases (gnomAD no frequency). This variant has not been reported in the literature in individuals affected with GATA2-related conditions. ClinVar contains an entry for this variant (Variation ID: 1511528). Invitae Evidence Modeling of protein sequence and biophysical properties (such as structural, functional, and spatial information, amino acid conservation, physicochemical variation, residue mobility, and thermodynamic stability) indicates that this missense variant is expected to disrupt GATA2 protein function with a positive predictive value of 95%. In summary, the available evidence is currently insufficient to determine the role of this variant in disease. Therefore, it has been classified as a Variant of Uncertain Significance.

GeneDx
Classification: Uncertain significance. Last evaluated: 2023-06-08. Review status: criteria provided, single submitter. Criteria: GeneDx Variant Classification Process June 2021. Collection method: clinical testing. Allele origin: germline. Affected: yes.
Comment: Not observed at significant frequency in large population cohorts (gnomAD); In silico analysis supports that this missense variant has a deleterious effect on protein structure/function; Has not been previously published as pathogenic or benign to our knowledge; This variant is associated with the following publications: (PMID: 30190467, 37102610, 1714909, 28179282)